The following is an entry in ClinVar:

ClinVar aggregate classification (germline): Likely benign. Review status: criteria provided, multiple submitters, no conflicts (2 of 4 stars). 2 submissions from 2 submitters: Likely benign (2). Last evaluated 2024-11-13.

gnomAD v4.1: 282 of 1,613,518 alleles (0.017%); highest among the groups gnomAD compares: Middle Eastern, 0.28%; no homozygotes.

Submissions (2):

Blueprint Genetics
Classification: Likely benign. Last evaluated: 2024-11-13. Review status: criteria provided, single submitter. Criteria: ACMG Guidelines, 2015. Collection method: clinical testing. Allele origin: germline.

CeGaT Center for Human Genetics Tuebingen
Classification: Likely benign. Last evaluated: 2024-07-01. Review status: criteria provided, single submitter. Criteria: CeGaT Center For Human Genetics Tuebingen Variant Classification Criteria Version 2. Collection method: clinical testing. Allele origin: germline. Affected: yes. Observed: 1 variant allele.
Comment: NBEA: BP4

NM_001385012.1(NBEA):c.7752G>A (p.Arg2584=)

Gene: NBEA (neurobeachin; plus strand). Cytogenetic location: 13q13.3.
Variant type: single nucleotide variant.
Coding change: c.7752G>A on transcript NM_001385012.1 (MANE Select); coding-DNA position 7752, G replaced by A.
Protein change: p.Arg2584=; no amino-acid change (arginine 2584 retained).
Molecular consequence: synonymous variant.
Genome position (GRCh38, 1-based): chr13:35,646,330, G>A. VCF-style: chr13-35646330-G-A. GRCh37 (hg19) VCF-style: chr13-36220467-G-A.
Other names: c.1068G>A, p.Arg356= (NM_001204197.3); c.7743G>A, p.Arg2581= (NM_001379245.1); c.7689G>A, p.Arg2563= (NM_015678.5).
Identifiers: ClinVar variation 3257623 (VCV003257623.18).